The following is an entry in ClinVar:

ClinVar aggregate classification (germline): Uncertain significance (1 of 4 stars; one submission).

Conditions:
DiGeorge syndrome. Also called: THIRD AND FOURTH PHARYNGEAL POUCH SYNDROME; Catch22. Identifiers: Orphanet 567, MedGen C0012236, MONDO:0008564, OMIM 188400.

Submission:

Labcorp Genetics (formerly Invitae), Labcorp
Classification: Uncertain significance for DiGeorge syndrome. Last evaluated: 2022-08-08. Review status: criteria provided, single submitter. Criteria: Invitae Variant Classification Sherloc (09022015). Collection method: clinical testing. Allele origin: germline.
Comment: This variant, c.1367_1372dup, results in the insertion of 2 amino acid(s) of the TBX1 protein (p.His456_His457dup), but otherwise preserves the integrity of the reading frame. This variant is present in population databases (no rsID available, gnomAD 0.01%). This variant has not been reported in the literature in individuals affected with TBX1-related conditions. In summary, the available evidence is currently insufficient to determine the role of this variant in disease. Therefore, it has been classified as a Variant of Uncertain Significance.

NM_001379200.1(TBX1):c.1385ACC[7] (p.His466_Pro467insHisHis)

Gene: TBX1 (T-box transcription factor 1; plus strand). Cytogenetic location: 22q11.21.
Variant type: Microsatellite.
Coding change: c.1385ACC[7] on transcript NM_001379200.1 (MANE Select); seven copies in a row of the 3-base unit ACC starting at c.1385; the reference has five copies in a row; two copies, 6 bases duplicated.
Protein change: p.His466_Pro467insHisHis.
Molecular consequence: inframe insertion. On other transcripts: intron variant (2).
Genome position (GRCh38, 1-based): chr22:19,766,746-19,766,751, ACCACC duplicated; duplicating any 6 consecutive bases within chr22:19,766,736-19,766,751 gives the same sequence; the position shown is the placement nearest the transcript's 3' end. VCF-style (leftmost placement, unchanged base first): chr22-19766735-G-GCACCAC. GRCh37 (hg19) VCF-style: chr22-19754258-G-GCACCAC.
Other names: c.1358ACC[7], p.His457_Pro458insHisHis (NM_080647.1); c.1009+734CAC[7] (NM_005992.1, NM_080646.2).
Identifiers: ClinVar variation 1912406 (VCV001912406.5), dbSNP rs753713234, ClinGen allele CA638504358.